The following is an entry in ClinVar:

ClinVar aggregate classification (germline): Pathogenic (1 of 4 stars; one submission).

Conditions:
Rubinstein-Taybi syndrome (RSTS). Identifiers: Orphanet 783, MedGen C0035934, MONDO:0019188.

Submission:

Labcorp Genetics (formerly Invitae), Labcorp
Classification: Pathogenic for Rubinstein-Taybi syndrome. Last evaluated: 2025-04-07. Review status: criteria provided, single submitter. Criteria: Invitae Variant Classification Sherloc (09022015). Collection method: clinical testing. Allele origin: germline.
Comment: This sequence change replaces histidine, which is basic and polar, with proline, which is neutral and non-polar, at codon 1470 of the CREBBP protein (p.His1470Pro). This variant is not present in population databases (gnomAD no frequency). This missense change has been observed in individual(s) with clinical features of CREBBP-related conditions (internal data). In at least one individual the variant was observed to be de novo. ClinVar contains an entry for this variant (Variation ID: 2063697). Invitae Evidence Modeling of protein sequence and biophysical properties (such as structural, functional, and spatial information, amino acid conservation, physicochemical variation, residue mobility, and thermodynamic stability) indicates that this missense variant is expected to disrupt CREBBP protein function with a positive predictive value of 95%. For these reasons, this variant has been classified as Pathogenic.

NM_004380.3(CREBBP):c.4409A>C (p.His1470Pro)

Gene: CREBBP (CREB binding lysine acetyltransferase; minus strand). Cytogenetic location: 16p13.3.
Variant type: single nucleotide variant.
Coding change: c.4409A>C on transcript NM_004380.3 (MANE Select); coding-DNA position 4409, A replaced by C.
Protein change: p.His1470Pro; replaces histidine 1470 with proline.
Molecular consequence: missense variant.
Genome position (GRCh38, 1-based): chr16:3,736,801, T>G on the plus strand (A>C on the coding strand, the complement: CREBBP is on the minus strand). VCF-style: chr16-3736801-T-G. GRCh37 (hg19) VCF-style: chr16-3786802-T-G.
Other names: c.4295A>C, p.His1432Pro (NM_001079846.1); short protein forms H1470P, H1432P.
Identifiers: ClinVar variation 2063697 (VCV002063697.4), dbSNP rs797044860, ClinGen allele CA394564026.
Genomic context (GRCh38, chr16:3,736,801, plus strand): 5'-TCAGGTGGGTGGCAATGGAAGATGTAATCATCTCCTTCACTTGGAGGACAGGCCCAGATG[T>G]GCCCTGTCACATACCTGCAGGACCCACGCACACACGTCAGATGAACGTGCCAGTGAAATC-3'
Protein context (NP_004371.2, residues 1460-1480): YVKKLGYVTG[His1470Pro]IWACPPSEGD